The following is an entry in ClinVar:

ClinVar aggregate classification (germline): Conflicting classifications of pathogenicity. Review status: criteria provided, conflicting classifications (1 of 4 stars). 3 submissions from 3 submitters: Uncertain significance (1); Benign (1); Likely benign (1). Last evaluated 2026-06-17.

Conditions:
LRP2-related disorder. Also called: LRP2-related condition.

Allele frequency attached by ClinVar (database versions not stated): TOPMed 0.00010; ExAC 0.00016; gnomAD exomes 0.00019.

Submissions (3):

PreventionGenetics, part of Exact Sciences
Classification: Uncertain significance for LRP2-related condition. Last evaluated: 2026-06-17. Review status: criteria provided, single submitter. Criteria: ACMG Guidelines, 2015. Collection method: clinical testing. Allele origin: germline.
Comment: The LRP2 c.1102C>T variant is predicted to result in the amino acid substitution p.Arg368Cys. To our knowledge, this variant has not been reported in the literature. This variant is reported in 0.13% of alleles in individuals of Latino descent in gnomAD, which is likely too frequent for a disease-causing variant. Although we suspect that this variant may be benign, at this time, the clinical significance of this variant is uncertain due to the absence of conclusive functional and genetic evidence.

Labcorp Genetics (formerly Invitae), Labcorp
Classification: Likely benign. Last evaluated: 2026-01-18. Review status: criteria provided, single submitter. Criteria: Invitae Variant Classification Sherloc (09022015). Collection method: clinical testing. Allele origin: germline.

Blueprint Genetics
Classification: Benign. Last evaluated: 2020-01-31. Review status: criteria provided, single submitter. Criteria: ACMG Guidelines, 2015. Collection method: clinical testing. Allele origin: germline.

NM_004525.3(LRP2):c.1102C>T (p.Arg368Cys)

Gene: LRP2 (LDL receptor related protein 2; minus strand). Cytogenetic location: 2q31.1.
Variant type: single nucleotide variant.
Coding change: c.1102C>T on transcript NM_004525.3 (MANE Select); coding-DNA position 1102, C replaced by T.
Protein change: p.Arg368Cys; replaces arginine 368 with cysteine.
Molecular consequence: missense variant.
Genome position (GRCh38, 1-based): chr2:169,282,942, G>A on the plus strand (C>T on the coding strand, the complement: LRP2 is on the minus strand). VCF-style: chr2-169282942-G-A. GRCh37 (hg19) VCF-style: chr2-170139452-G-A.
Other names: c.1102C>T (NM_004525.2); short protein forms R368C.
Identifiers: ClinVar variation 1106614 (VCV001106614.11), dbSNP rs201059704, ClinGen allele CA1955650.